The following is an entry in ClinVar:

NM_020975.6(RET):c.17C>T (p.Ser6Phe)

Genes: RET (ret proto-oncogene; plus strand), LOC106736614 (RET 5' regulatory region; plus strand). Cytogenetic location: 10q11.21.
Variant type: single nucleotide variant.
Coding change: c.17C>T on transcript NM_020975.6 (MANE Select); coding-DNA position 17, C replaced by T.
Protein change: p.Ser6Phe; replaces serine 6 with phenylalanine.
Molecular consequence: missense variant.
Genome position (GRCh38, 1-based): chr10:43,077,275, C>T. VCF-style: chr10-43077275-C-T. GRCh37 (hg19) VCF-style: chr10-43572723-C-T.
Other names: c.17C>T, p.Ser6Phe (NM_001406761.1, NM_001406762.1, NM_001406763.1 and 36 more transcripts); short protein forms S6F.
Identifiers: ClinVar variation 4757707 (VCV004757707.1).
Genomic context (GRCh38, chr10:43,077,275, plus strand): 5'-CCTAGCCGCAGTCCCTCCAGCCGTGGCCCCAGCGCGCACGGGCGATGGCGAAGGCGACGT[C>T]CGGTGCCGCGGGGCTGCGTCTGCTGTTGCTGCTGCTGCTGCCGCTGCTAGGCAAAGGTGA-3'
Protein context (NP_066124.1, residues 1-16): MAKAT[Ser6Phe]GAAGLRLLLL

ClinVar aggregate classification (germline): Uncertain significance (1 of 4 stars; one submission).

Conditions:
Multiple endocrine neoplasia, type 2 (MEN2). Identifiers: Orphanet 653, MedGen C4048306, MONDO:0019003. Disease mechanism: gain of function.

Submission:

Color Diagnostics, LLC DBA Color Health
Classification: Uncertain significance for Multiple endocrine neoplasia, type 2. Last evaluated: 2025-07-20. Review status: criteria provided, single submitter. Criteria: ACMG Guidelines, 2015. Collection method: clinical testing. Allele origin: germline.
Comment: This missense variant replaces serine with phenylalanine at codon 6 of the RET protein. Computational prediction suggests that this variant may not impact protein structure and function. To our knowledge, functional studies have not been reported for this variant. This variant has not been reported in individuals affected with RET-related disorders in the literature. This variant has not been identified in the general population by the Genome Aggregation Database (gnomAD). The available evidence is insufficient to determine the role of this variant in disease conclusively. Therefore, this variant is classified as a Variant of Uncertain Significance.